The following is an entry in ClinVar:

ClinVar aggregate classification (germline): Uncertain significance. Review status: criteria provided, multiple submitters, no conflicts (2 of 4 stars). 2 submissions from 2 submitters: Uncertain significance (2). Last evaluated 2025-06-09.

Conditions:
Inborn genetic diseases. Identifiers: MedGen C0950123, MeSH D030342.

Allele frequency attached by ClinVar (database versions not stated): TOPMed below 0.00001; ExAC 0.00001; gnomAD exomes 0.00001.
gnomAD v4.1: 8 of 1,605,516 alleles (0.0005%); highest among the groups gnomAD compares: Admixed American, 0.0017%; no homozygotes.

Submissions (2):

Ambry Genetics
Classification: Uncertain significance for Inborn genetic diseases. Last evaluated: 2025-06-09. Review status: criteria provided, single submitter. Criteria: Ambry Variant Classification Scheme 2023. Collection method: clinical testing. Allele origin: germline.

Labcorp Genetics (formerly Invitae), Labcorp
Classification: Uncertain significance. Last evaluated: 2024-10-16. Review status: criteria provided, single submitter. Criteria: Invitae Variant Classification Sherloc (09022015). Collection method: clinical testing. Allele origin: germline.
Comment: This sequence change replaces proline, which is neutral and non-polar, with serine, which is neutral and polar, at codon 342 of the ZNF335 protein (p.Pro342Ser). This variant is present in population databases (rs755494320, gnomAD 0.003%). This variant has not been reported in the literature in individuals affected with ZNF335-related conditions. ClinVar contains an entry for this variant (Variation ID: 1437859). Invitae Evidence Modeling of protein sequence and biophysical properties (such as structural, functional, and spatial information, amino acid conservation, physicochemical variation, residue mobility, and thermodynamic stability) indicates that this missense variant is not expected to disrupt ZNF335 protein function with a negative predictive value of 80%. In summary, the available evidence is currently insufficient to determine the role of this variant in disease. Therefore, it has been classified as a Variant of Uncertain Significance.

NM_022095.4(ZNF335):c.1024C>T (p.Pro342Ser)

Gene: ZNF335 (zinc finger protein 335; minus strand). Cytogenetic location: 20q13.12.
Variant type: single nucleotide variant.
Coding change: c.1024C>T on transcript NM_022095.4 (MANE Select); coding-DNA position 1024, C replaced by T.
Protein change: p.Pro342Ser; replaces proline 342 with serine.
Molecular consequence: missense variant.
Genome position (GRCh38, 1-based): chr20:45,965,706, G>A on the plus strand (C>T on the coding strand, the complement: ZNF335 is on the minus strand). VCF-style: chr20-45965706-G-A. GRCh37 (hg19) VCF-style: chr20-44594345-G-A.
Other names: c.1024C>T (NM_022095.3); short protein forms P342S.
Identifiers: ClinVar variation 1437859 (VCV001437859.7), dbSNP rs755494320, ClinGen allele CA9885866.